The following is an entry in ClinVar:

NM_198253.3(TERT):c.98C>A (p.Pro33His)

Genes: TERT (telomerase reverse transcriptase; minus strand), LOC110806263 (TERT 5' regulatory region; plus strand). Cytogenetic location: 5p15.33.
Variant type: single nucleotide variant.
Coding change: c.98C>A on transcript NM_198253.3 (MANE Select); coding-DNA position 98, C replaced by A.
Protein change: p.Pro33His; replaces proline 33 with histidine.
Molecular consequence: missense variant. On other transcripts: non-coding transcript variant (2).
Genome position (GRCh38, 1-based): chr5:1,294,892, G>T on the plus strand (C>A on the coding strand, the complement: TERT is on the minus strand). VCF-style: chr5-1294892-G-T. GRCh37 (hg19) VCF-style: chr5-1295007-G-T.
Other names: c.98C>A, p.Pro33His (NM_001193376.3); short protein forms P33H.
Identifiers: ClinVar variation 4561196 (VCV004561196.1).

ClinVar aggregate classification (germline): Uncertain significance (1 of 4 stars; one submission).

Conditions:
Dyskeratosis congenita. Identifiers: Orphanet 1775, MedGen C0265965, MONDO:0015780.

Submission:

Ambry Genetics
Classification: Uncertain significance for Dyskeratosis congenita. Last evaluated: 2025-10-09. Review status: criteria provided, single submitter. Criteria: Ambry Variant Classification Scheme 2023. Collection method: clinical testing. Allele origin: germline.
Comment: The p.P33H variant (also known as c.98C>A), located in coding exon 1 of the TERT gene, results from a C to A substitution at nucleotide position 98. The proline at codon 33 is replaced by histidine, an amino acid with similar properties. This amino acid position is not well conserved in available vertebrate species. In addition, this alteration is predicted to be tolerated by in silico analysis. Based on the available evidence, the clinical significance of this variant remains unclear.